The following is an entry in ClinVar:

NM_000642.3(AGL):c.3235C>T (p.Gln1079Ter)

Gene: AGL (amylo-alpha-1,6-glucosidase and 4-alpha-glucanotransferase; plus strand). Cytogenetic location: 1p21.2.
Variant type: single nucleotide variant.
Coding change: c.3235C>T on transcript NM_000642.3 (MANE Select); coding-DNA position 3235, C replaced by T.
Protein change: p.Gln1079Ter; replaces glutamine 1079 with a stop codon.
Molecular consequence: nonsense.
Genome position (GRCh38, 1-based): chr1:99,892,583, C>T. VCF-style: chr1-99892583-C-T. GRCh37 (hg19) VCF-style: chr1-100358139-C-T.
Other names: c.3235C>T, p.Gln1079Ter (NM_000028.3, NM_000643.3, NM_000644.3 and 1 more transcripts); c.3187C>T, p.Gln1063Ter (NM_000646.3); c.3214C>T, p.Gln1072Ter (NM_001425326.1); c.3034C>T, p.Gln1012Ter (NM_001425327.1); c.3031C>T, p.Gln1011Ter (NM_001425328.1); c.2896C>T, p.Gln966Ter (NM_001425329.1); c.2857C>T, p.Gln953Ter (NM_001425332.1); short protein forms Q1079*, Q1063*, Q1011*, Q1012*, Q1072*, Q953*, Q966*.
Identifiers: ClinVar variation 551403 (VCV000551403.13), dbSNP rs1553188849, ClinGen allele CA341327247.

ClinVar aggregate classification (germline): Pathogenic. Review status: criteria provided, multiple submitters, no conflicts (2 of 4 stars). 3 submissions from 3 submitters: Pathogenic (2). 1 of the submissions does not count toward it. Last evaluated 2023-09-26.

Conditions:
Glycogen storage disease type III (GSD3). Also called: FORBES DISEASE; Cori disease. Identifiers: Orphanet 366, MedGen C0017922, MONDO:0009291, OMIM 232400.

Allele frequency attached by ClinVar (database versions not stated): gnomAD exomes below 0.00001; TOPMed below 0.00001.

Submissions (3):

Labcorp Genetics (formerly Invitae), Labcorp
Classification: Pathogenic for Glycogen storage disease type III. Last evaluated: 2023-09-26. Review status: criteria provided, single submitter. Criteria: Invitae Variant Classification Sherloc (09022015). Collection method: clinical testing. Allele origin: germline.
Comment: For these reasons, this variant has been classified as Pathogenic. ClinVar contains an entry for this variant (Variation ID: 551403). This premature translational stop signal has been observed in individual(s) with clinical features of glycogen storage disease type III (PMID: 26885414). In at least one individual the data is consistent with being in trans (on the opposite chromosome) from a pathogenic variant. This variant is not present in population databases (gnomAD no frequency). This sequence change creates a premature translational stop signal (p.Gln1079*) in the AGL gene. It is expected to result in an absent or disrupted protein product. Loss-of-function variants in AGL are known to be pathogenic (PMID: 19299494).

Genome-Nilou Lab
Classification: Pathogenic for Glycogen storage disease type III. Last evaluated: 2021-07-15. Review status: criteria provided, single submitter. Criteria: ACMG Guidelines, 2015. Collection method: clinical testing. Allele origin: germline. Affected: no.

Counsyl
Classification: Likely pathogenic for Glycogen storage disease type III. Last evaluated: 2017-04-06. Review status: no assertion criteria provided. Collection method: clinical testing. Allele origin: unknown. Not counted in ClinVar's aggregate classification.

Literature cited by the submitters: PubMed 26885414 (cited by Labcorp Genetics (formerly Invitae), Labcorp and Counsyl); PubMed 19299494 (cited by Labcorp Genetics (formerly Invitae), Labcorp).